The following is an entry in ClinVar:

NM_000038.6(APC):c.5717C>G (p.Ser1906Ter)

Gene: APC (APC regulator of Wnt signaling pathway; plus strand). Cytogenetic location: 5q22.2.
Variant type: single nucleotide variant.
Coding change: c.5717C>G on transcript NM_000038.6 (MANE Select); coding-DNA position 5717, C replaced by G.
Protein change: p.Ser1906Ter; replaces serine 1906 with a stop codon.
Molecular consequence: nonsense.
Genome position (GRCh38, 1-based): chr5:112,841,311, C>G. VCF-style: chr5-112841311-C-G. GRCh37 (hg19) VCF-style: chr5-112177008-C-G.
Other names: c.5717C>G, p.Ser1906Ter (NM_001127510.3, NM_001354895.2, NM_001407450.1); c.5663C>G, p.Ser1888Ter (NM_001127511.3); c.5771C>G, p.Ser1924Ter (NM_001354896.2, NM_001407447.1, NM_001407448.1 and 1 more transcripts); c.5747C>G, p.Ser1916Ter (NM_001354897.2); c.5642C>G, p.Ser1881Ter (NM_001354898.2); c.5633C>G, p.Ser1878Ter (NM_001354899.2); c.5594C>G, p.Ser1865Ter (NM_001354900.2); c.5540C>G, p.Ser1847Ter (NM_001354901.2, NM_001407453.1); and 11 more; short protein forms S1780*, S1815*, S1881*, S1896*, S1906*, S1916*, S1746*, S1805*.
Identifiers: ClinVar variation 1749264 (VCV001749264.2), dbSNP rs2149947321, ClinGen allele CA16033848.
Genomic context (GRCh38, chr5:112,841,311, plus strand): 5'-AAAATAAGGAATCAGAGGCTAAAGTTACCAGCCACACAGAACTAACCTCCAACCAACAAT[C>G]AGCTAATAAGACACAAGCTATTGCAAAGCAGCCAATAAATCGAGGTCAGCCTAAACCCAT-3'

ClinVar aggregate classification (germline): Pathogenic (1 of 4 stars; one submission).

Conditions:
Hereditary cancer-predisposing syndrome. Also called: Hereditary Cancer Syndrome; Hereditary neoplastic syndrome; Neoplastic Syndromes, Hereditary; Tumor predisposition. Identifiers: Orphanet 140162, MedGen C0027672, MeSH D009386, MONDO:0015356.

Submission:

Ambry Genetics
Classification: Pathogenic for Hereditary cancer-predisposing syndrome. Last evaluated: 2022-07-19. Review status: criteria provided, single submitter. Criteria: Ambry Variant Classification Scheme 2023. Collection method: clinical testing. Allele origin: germline.
Comment: The p.S1906* pathogenic mutation (also known as c.5717C>G), located in coding exon 15 of the APC gene, results from a C to G substitution at nucleotide position 5717. This changes the amino acid from a serine to a stop codon within coding exon 15. This alteration occurs at the 3' terminus of theAPC gene, is not expected to trigger nonsense-mediated mRNA decay, and impacts the last 938 amino acids of the protein. However, premature stop codons are typically deleterious in nature and the impacted region is critical for protein function (Ambry internal data). This variant is considered to be rare based on population cohorts in the Genome Aggregation Database (gnomAD). Based on the supporting evidence, this alteration is interpreted as a disease-causing mutation.